The following is an entry in ClinVar:

NM_000426.4(LAMA2):c.2116G>T (p.Glu706Ter)

Gene: LAMA2 (laminin subunit alpha 2; plus strand). Cytogenetic location: 6q22.33.
Variant type: single nucleotide variant.
Coding change: c.2116G>T on transcript NM_000426.4 (MANE Select); coding-DNA position 2116, G replaced by T.
Protein change: p.Glu706Ter; replaces glutamic acid 706 with a stop codon.
Molecular consequence: nonsense.
Genome position (GRCh38, 1-based): chr6:129,260,730, G>T. VCF-style: chr6-129260730-G-T. GRCh37 (hg19) VCF-style: chr6-129581875-G-T.
Other names: c.2116G>T, p.Glu706Ter (NM_001079823.2); short protein forms E706*.
Identifiers: ClinVar variation 984191 (VCV000984191.4), dbSNP rs1787059737, ClinGen allele CA365608511.

ClinVar aggregate classification (germline): Likely pathogenic (1 of 4 stars; one submission).

Conditions:
LAMA2-related muscular dystrophy (LAMA2-RD). Also called: Laminin alpha 2-related dystrophy. Identifiers: MedGen C5679788, MONDO:0100228.

Submission:

Myriad Genetics, Inc.
Classification: Likely pathogenic for LAMA2-related muscular dystrophy. Last evaluated: 2019-12-28. Review status: criteria provided, single submitter. Criteria: Myriad Autosomal Dominant, Autosomal Recessive and X-Linked Classification Criteria (2023). Collection method: clinical testing. Allele origin: unknown.
Comment: NM_000426.3(LAMA2):c.2116G>T(E706*) is expected to be pathogenic in the context of LAMA2-related muscular dystrophy. This variant is predicted to lead to an abnormal or absent protein product due to the creation of a premature termination codon in LAMA2, a gene where loss-of-function variants are known to be pathogenic. Please note: this variant was assessed in the context of healthy population screening.